The following is an entry in ClinVar:

NM_001261826.3(AP3D1):c.2744C>T (p.Ala915Val)

Gene: AP3D1 (adaptor related protein complex 3 subunit delta 1; minus strand). Cytogenetic location: 19p13.3.
Variant type: single nucleotide variant.
Coding change: c.2744C>T on transcript NM_001261826.3 (MANE Select); coding-DNA position 2744, C replaced by T.
Protein change: p.Ala915Val; replaces alanine 915 with valine.
Molecular consequence: missense variant. On other transcripts: intron variant (1).
Genome position (GRCh38, 1-based): chr19:2,112,903, G>A on the plus strand (C>T on the coding strand, the complement: AP3D1 is on the minus strand). VCF-style: chr19-2112903-G-A. GRCh37 (hg19) VCF-style: chr19-2112902-G-A.
Other names: c.2708C>T, p.Ala903Val (NM_001374799.1); c.2602-1075C>T (NM_003938.8); short protein forms A903V, A915V.
Identifiers: ClinVar variation 1497599 (VCV001497599.32), dbSNP rs568823322, ClinGen allele CA9058748.

ClinVar aggregate classification (germline): Conflicting classifications of pathogenicity. Review status: criteria provided, conflicting classifications (1 of 4 stars). 2 submissions from 2 submitters: Uncertain significance (1); Likely benign (1). Last evaluated 2026-01-04.

Allele frequency attached by ClinVar (database versions not stated): TOPMed 0.00003; gnomAD 0.00006; gnomAD exomes 0.00007 and 0.00008; ExAC 0.00009; 1000 Genomes Project 30x 0.00016; 1000 Genomes Project 0.00020.
gnomAD v4.1: 108 of 1,613,206 alleles (0.0067%); highest among the groups gnomAD compares: Middle Eastern, 0.099%; no homozygotes.

Submissions (2):

Labcorp Genetics (formerly Invitae), Labcorp
Classification: Uncertain significance. Last evaluated: 2026-01-04. Review status: criteria provided, single submitter. Criteria: Invitae Variant Classification Sherloc (09022015). Collection method: clinical testing. Allele origin: germline.
Comment: This sequence change replaces alanine, which is neutral and non-polar, with valine, which is neutral and non-polar, at codon 915 of the AP3D1 protein (p.Ala915Val). This variant is present in population databases (rs568823322, gnomAD 0.01%). This variant has not been reported in the literature in individuals affected with AP3D1-related conditions. ClinVar contains an entry for this variant (Variation ID: 1497599). An algorithm developed to predict the effect of missense changes on protein structure and function outputs the following: PolyPhen-2: "Benign". The valine amino acid residue is found in multiple mammalian species, which suggests that this missense change does not adversely affect protein function. In summary, the available evidence is currently insufficient to determine the role of this variant in disease. Therefore, it has been classified as a Variant of Uncertain Significance.

CeGaT Center for Human Genetics Tuebingen
Classification: Likely benign. Last evaluated: 2023-09-01. Review status: criteria provided, single submitter. Criteria: CeGaT Center For Human Genetics Tuebingen Variant Classification Criteria Version 2. Collection method: clinical testing. Allele origin: germline. Affected: yes. Observed: 1 variant allele.
Comment: AP3D1: BP4